The following is an entry in ClinVar:

ClinVar aggregate classification (germline): Benign/Likely benign. Review status: criteria provided, multiple submitters, no conflicts (2 of 4 stars). 2 submissions from 2 submitters: Benign (1); Likely benign (1). Last evaluated 2025-10-06.

Conditions:
Tuberous sclerosis 2 (TSC2). Identifiers: Orphanet 805, MedGen C1860707, MONDO:0013199, OMIM 613254.

Submissions (2):

Labcorp Genetics (formerly Invitae), Labcorp
Classification: Likely benign for Tuberous sclerosis 2. Last evaluated: 2025-10-06. Review status: criteria provided, single submitter. Criteria: Invitae Variant Classification Sherloc (09022015). Collection method: clinical testing. Allele origin: germline.

Myriad Genetics, Inc.
Classification: Benign for Tuberous sclerosis 2. Last evaluated: 2025-05-29. Review status: criteria provided, single submitter. Criteria: Myriad Autosomal Dominant, Autosomal Recessive and X-Linked Classification Criteria (2023). Collection method: clinical testing. Allele origin: unknown.
Comment: This variant is considered benign. This variant is a silent/synonymous amino acid change and it is not expected to impact splicing.

NM_000548.5(TSC2):c.3450G>T (p.Leu1150=)

Gene: TSC2 (TSC complex subunit 2; plus strand). Cytogenetic location: 16p13.3.
Variant type: single nucleotide variant.
Coding change: c.3450G>T on transcript NM_000548.5 (MANE Select); coding-DNA position 3450, G replaced by T.
Protein change: p.Leu1150=; no amino-acid change (leucine 1150 retained).
Molecular consequence: synonymous variant. On other transcripts: non-coding transcript variant (5).
Genome position (GRCh38, 1-based): chr16:2,080,217, G>T. VCF-style: chr16-2080217-G-T. GRCh37 (hg19) VCF-style: chr16-2130218-G-T.
Other names: c.3171G>T, p.Leu1057= (NM_001406679.1); c.2850G>T, p.Leu950= (NM_001406680.1, NM_001406682.1, NM_001406683.1); c.2859G>T, p.Leu953= (NM_001406681.1); c.2847G>T, p.Leu949= (NM_001406684.1); c.2721G>T, p.Leu907= (NM_001406685.1, NM_001406686.1); c.2718G>T, p.Leu906= (NM_001406687.1, NM_001406688.1, NM_001318831.2); c.2106G>T, p.Leu702= (NM_001406689.1); c.1977G>T, p.Leu659= (NM_001406690.1, NM_001406692.1, NM_001406693.1 and 1 more transcripts); and 18 more.
Identifiers: ClinVar variation 3634916 (VCV003634916.3).